The following is an entry in ClinVar:

ClinVar aggregate classification (germline): Uncertain significance (1 of 4 stars; one submission).

Allele frequency attached by ClinVar (database versions not stated): gnomAD exomes below 0.00001; TOPMed below 0.00001; gnomAD 0.00001.
gnomAD v4.1: 4 of 1,606,772 alleles (0.00025%); highest among the groups gnomAD compares: Non-Finnish European, 0.00034%; no homozygotes.

Submission:

Labcorp Genetics (formerly Invitae), Labcorp
Classification: Uncertain significance. Last evaluated: 2021-10-11. Review status: criteria provided, single submitter. Criteria: Invitae Variant Classification Sherloc (09022015). Collection method: clinical testing. Allele origin: germline.
Comment: This sequence change replaces aspartic acid with asparagine at codon 403 of the RORB protein (p.Asp403Asn). The aspartic acid residue is moderately conserved and there is a small physicochemical difference between aspartic acid and asparagine. This variant is not present in population databases (ExAC no frequency). In summary, the available evidence is currently insufficient to determine the role of this variant in disease. Therefore, it has been classified as a Variant of Uncertain Significance. Algorithms developed to predict the effect of missense changes on protein structure and function (SIFT, PolyPhen-2, Align-GVGD) all suggest that this variant is likely to be tolerated, but these predictions have not been confirmed by published functional studies and their clinical significance is uncertain. This variant has not been reported in the literature in individuals with RORB-related conditions.

NM_006914.4(RORB):c.1207G>A (p.Asp403Asn)

Gene: RORB (RAR related orphan receptor B; plus strand). Cytogenetic location: 9q21.13.
Variant type: single nucleotide variant.
Coding change: c.1207G>A on transcript NM_006914.4 (MANE Select); coding-DNA position 1207, G replaced by A.
Protein change: p.Asp403Asn; replaces aspartic acid 403 with asparagine.
Molecular consequence: missense variant.
Genome position (GRCh38, 1-based): chr9:74,671,884, G>A. VCF-style: chr9-74671884-G-A. GRCh37 (hg19) VCF-style: chr9-77286800-G-A.
Other names: c.1240G>A, p.Asp414Asn (NM_001365023.1); short protein forms D414N, D403N.
Identifiers: ClinVar variation 1359813 (VCV001359813.6), dbSNP rs1824351527, ClinGen allele CA373771807.
Genomic context (GRCh38, chr9:74,671,884, plus strand): 5'-AAGCTTCAGGAAAAAATTTATTTTGCACTTCAACATGTGATTCAGAAGAATCACCTGGAT[G>A]ATGAGACCTTGGCAAAGGTAGGTCCACAGATCACAGAGCCACCACCACCAAAAGAGAGCA-3'
Protein context (NP_008845.2, residues 393-413): QHVIQKNHLD[Asp403Asn]ETLAKLIAKI